The following is an entry in ClinVar:

NM_001130987.2(DYSF):c.1277-2A>C

Gene: DYSF (dysferlin; plus strand). Cytogenetic location: 2p13.2.
Variant type: single nucleotide variant.
Coding change: c.1277-2A>C on transcript NM_001130987.2 (MANE Select); the canonical splice acceptor site of the intron before coding-DNA position 1277, A replaced by C.
Molecular consequence: splice acceptor variant.
Genome position (GRCh38, 1-based): chr2:71,528,296, A>C. VCF-style: chr2-71528296-A-C. GRCh37 (hg19) VCF-style: chr2-71755426-A-C.
Other names: c.1274-2A>C (NM_001130979.2, NM_001130981.2, NM_001130980.2); c.1181-2A>C (NM_001130978.2, NM_003494.4, NM_001130977.2 and 1 more transcripts); c.1277-2A>C (NM_001130982.2, NM_001130985.2); c.1184-2A>C (NM_001130983.2, NM_001130455.2, NM_001130984.2 and 1 more transcripts).
Identifiers: ClinVar variation 554833 (VCV000554833.7), dbSNP rs1553531682, ClinGen allele CA347214357.

ClinVar aggregate classification (germline): Pathogenic/Likely pathogenic. Review status: criteria provided, multiple submitters, no conflicts (2 of 4 stars). 4 submissions from 4 submitters: Pathogenic (2); Likely pathogenic (1). 1 of the submissions does not count toward it. Last evaluated 2025-11-10.

Conditions:
Autosomal recessive limb-girdle muscular dystrophy type 2B (LGMDR2). Also called: MUSCULAR DYSTROPHY, LIMB-GIRDLE, AUTOSOMAL RECESSIVE 2; Limb-girdle muscular dystrophy, type 2B; Limb-Girdle Muscular Dystrophy Type 2B (LGMD2B); MUSCULAR DYSTROPHY, LIMB-GIRDLE, TYPE 3. Identifiers: Orphanet 268, MedGen C1850889, MONDO:0009676, OMIM 253601.
Miyoshi muscular dystrophy 1 (MMD1). Identifiers: Orphanet 45448, MedGen C4551973, MONDO:0024545, OMIM 254130.
Autosomal recessive limb-girdle muscular dystrophy. Identifiers: Orphanet 102015, MedGen C2931907, MONDO:0015152.
Neuromuscular disease caused by qualitative or quantitative defects of dysferlin. Also called: Qualitative or quantitative defects of dysferlin; Dysferlinopathy. Identifiers: Orphanet 207073, MedGen C2931687, MONDO:0016145.

Allele frequency attached by ClinVar (database versions not stated): gnomAD exomes below 0.00001.
gnomAD v4.1: 2 of 1,613,468 alleles (0.00012%); highest among the groups gnomAD compares: Non-Finnish European, 0.00017%; no homozygotes.

Submissions (4):

Myriad Genetics, Inc.
Classification: Likely pathogenic for Autosomal recessive limb-girdle muscular dystrophy. Last evaluated: 2025-11-10. Review status: criteria provided, single submitter. Criteria: Myriad Autosomal Dominant, Autosomal Recessive and X-Linked Classification Criteria (2023). Collection method: clinical testing. Allele origin: unknown.
Comment: NM_003494.3(DYSF):c.1181-2A>C is a variant in a canonical splice site classified as likely pathogenic in the context of dysferlinopathy. c.1181-2A>C has been observed in a case with relevant disease (PMID: 16100712). Relevant functional assessments of this variant are available in the literature (PMID: 16100712). c.1181-2A>C has not been observed in referenced population frequency databases. In summary, NM_003494.3(DYSF):c.1181-2A>C is a variant in a canonical splice site in a gene where loss of function is a known mechanism of disease, is predicted to disrupt protein function, and has been observed more frequently in cases with the relevant disease than in healthy populations. Please note: this variant was assessed in the context of healthy population screening.

Baylor Genetics
Classification: Pathogenic for Miyoshi muscular dystrophy 1. Last evaluated: 2023-12-05. Review status: criteria provided, single submitter. Criteria: ACMG Guidelines, 2015. Collection method: clinical testing. Allele origin: unknown.

Labcorp Genetics (formerly Invitae), Labcorp
Classification: Pathogenic for Neuromuscular disease caused by qualitative or quantitative defects of dysferlin. Last evaluated: 2023-05-07. Review status: criteria provided, single submitter. Criteria: Invitae Variant Classification Sherloc (09022015). Collection method: clinical testing. Allele origin: germline.
Comment: For these reasons, this variant has been classified as Pathogenic. Studies have shown that disruption of this splice site results in activation of a cryptic splice site and introduces a premature termination codon (PMID: 16100712). The resulting mRNA is expected to undergo nonsense-mediated decay. ClinVar contains an entry for this variant (Variation ID: 554833). Disruption of this splice site has been observed in individual(s) with Miyoshi myopathy (PMID: 16100712). This variant is not present in population databases (gnomAD no frequency). This sequence change affects an acceptor splice site in intron 12 of the DYSF gene. RNA analysis indicates that disruption of this splice site induces altered splicing and may result in an absent or disrupted protein product.

Counsyl
Classification: Likely pathogenic for Autosomal recessive limb-girdle muscular dystrophy type 2B. Last evaluated: 2017-11-07. Review status: no assertion criteria provided. Collection method: clinical testing. Allele origin: unknown. Not counted in ClinVar's aggregate classification.

Literature cited by the submitters: PubMed 16100712 (cited by 3 submitters).